The following is an entry in ClinVar:

ClinVar aggregate classification (germline): Likely pathogenic (1 of 4 stars; one submission).

Submission:

GeneDx
Classification: Likely pathogenic. Last evaluated: 2023-04-24. Review status: criteria provided, single submitter. Criteria: GeneDx Variant Classification Process June 2021. Collection method: clinical testing. Allele origin: germline. Affected: yes.
Comment: Frameshift variant predicted to result in protein truncation or nonsense mediated decay in a gene for which loss of function is a known mechanism of disease; Not observed at significant frequency in large population cohorts (gnomAD); Has not been previously published as pathogenic or benign to our knowledge

NM_000455.5(STK11):c.918del (p.His306fs)

Gene: STK11 (serine/threonine kinase 11; plus strand). Cytogenetic location: 19p13.3.
Variant type: Deletion.
Coding change: c.918del on transcript NM_000455.5 (MANE Select); coding-DNA position 918, one base deleted (C; older notation c.918delC).
Protein change: p.His306fs; shifts the reading frame from histidine 306.
Molecular consequence: frameshift variant. On other transcripts: non-coding transcript variant (1).
Genome position (GRCh38, 1-based): chr19:1,222,004, C deleted. VCF-style (leftmost placement, unchanged base first): chr19-1222003-AC-A. GRCh37 (hg19) VCF-style: chr19-1222002-AC-A.
Other names: c.918delC, p.His306Glnfs (NM_000455.4); c.918del, p.His306fs (NM_001407255.1); short protein forms H306fs.
Identifiers: ClinVar variation 3343139 (VCV003343139.1).